The following is an entry in ClinVar:

ClinVar aggregate classification (germline): Likely benign (1 of 4 stars; one submission).

Conditions:
Retinoblastoma (RB1). Also called: RETINOBLASTOMA, SOMATIC. Identifiers: Orphanet 790, MedGen C0035335, MeSH D012175, MONDO:0008380, OMIM 180200, HP:0009919. Disease mechanism: loss of function. Inheritance: Both sporadic and heritable forms are tested..

Submission:

All of Us Research Program, National Institutes of Health
Classification: Likely benign for Retinoblastoma. Last evaluated: 2023-12-13. Review status: criteria provided, single submitter. Criteria: ACMG Guidelines, 2015. Collection method: clinical testing. Allele origin: germline. Inheritance: Autosomal dominant inheritance. Observed: 1 variant allele, 1 heterozygote.
Comment: This study involves interpretation of variants in research participants for the purpose of population health screening. Participant phenotype was not available at the time of variant classification. Additional details can be found in publication PMID: 35346344, PMCID: PMC8962531

NM_000321.3(RB1):c.2490-1399G>A

Gene: RB1 (RB transcriptional corepressor 1; plus strand). Cytogenetic location: 13q14.2.
Variant type: single nucleotide variant.
Coding change: c.2490-1399G>A on transcript NM_000321.3 (MANE Select); 1399 bases into the intron before coding-DNA position 2490, G replaced by A.
Molecular consequence: intron variant.
Genome position (GRCh38, 1-based): chr13:48,471,961, G>A. VCF-style: chr13-48471961-G-A. GRCh37 (hg19) VCF-style: chr13-49046097-G-A.
Other names: c.2490-1399G>A (NM_001407165.1).
Identifiers: ClinVar variation 3074977 (VCV003074977.1), dbSNP rs2542380624, ClinGen allele CA2563538780.
Genomic context (GRCh38, chr13:48,471,961, plus strand): 5'-CACCTCACCTTGGGCAGGTCTCTATCTGTACTTCACAAGGGTGCTGTGGATCAGGGAAAT[G>A]ATGAGTATGAAGCTGTTTTAAATTCTCAGATGAAAGGTTGTATGCAACTACAAATCATTA-3'